The following is an entry in ClinVar:

ClinVar aggregate classification (germline): Pathogenic (1 of 4 stars; one submission).

Submission:

GeneDx
Classification: Pathogenic. Last evaluated: 2025-04-22. Review status: criteria provided, single submitter. Criteria: GeneDx Variant Classification Process June 2021. Collection method: clinical testing. Allele origin: germline. Affected: yes.
Comment: Occurs in the triple helical domain and replaces a glycine in a canonical Gly-X-Y repeat; missense substitution of a canonical glycine residue is expected to disrupt normal protein folding and function, and this is an established mechanism of disease (PMID: 34007986); In silico analysis supports that this missense variant has a deleterious effect on protein structure/function; Not observed at significant frequency in large population cohorts (gnomAD); Has not been previously published as pathogenic or benign to our knowledge; This variant is associated with the following publications: (PMID: 34007986))

NM_001844.5(COL2A1):c.2186G>A (p.Gly729Asp)

Gene: COL2A1 (collagen type II alpha 1 chain; minus strand). Cytogenetic location: 12q13.11.
Variant type: single nucleotide variant.
Coding change: c.2186G>A on transcript NM_001844.5 (MANE Select); coding-DNA position 2186, G replaced by A.
Protein change: p.Gly729Asp; replaces glycine 729 with aspartic acid.
Molecular consequence: missense variant.
Genome position (GRCh38, 1-based): chr12:47,982,855, C>T on the plus strand (G>A on the coding strand, the complement: COL2A1 is on the minus strand). VCF-style: chr12-47982855-C-T. GRCh37 (hg19) VCF-style: chr12-48376638-C-T.
Other names: c.1979G>A, p.Gly660Asp (NM_033150.3); short protein forms G729D, G660D.
Identifiers: ClinVar variation 3781054 (VCV003781054.1).
Genomic context (GRCh38, chr12:47,982,855, plus strand): 5'-AGTGGGACTCCCAGGCTACCACGAAGACCCCTACAGGATGCAGCCTCACTTACTTTGGGA[C>T]CATCAGTGCCAGGAGTGCCGGGGAGGCCACGGGGACCCTGGAGGCCCTGGGCACCGGGAG-3'
Protein context (NP_001835.3, residues 719-739): RGLPGTPGTD[Gly729Asp]PKGASGPAGP